The following is an entry in ClinVar:

NM_001244008.2(KIF1A):c.4528C>T (p.Pro1510Ser)

Gene: KIF1A (kinesin family member 1A; minus strand). Cytogenetic location: 2q37.3.
Variant type: single nucleotide variant.
Coding change: c.4528C>T on transcript NM_001244008.2 (MANE Select); coding-DNA position 4528, C replaced by T.
Protein change: p.Pro1510Ser; replaces proline 1510 with serine.
Molecular consequence: missense variant.
Genome position (GRCh38, 1-based): chr2:240,722,593, G>A on the plus strand (C>T on the coding strand, the complement: KIF1A is on the minus strand). VCF-style: chr2-240722593-G-A. GRCh37 (hg19) VCF-style: chr2-241662010-G-A.
Other names: c.4252C>T, p.Pro1418Ser (NM_001320705.2, NM_001379649.1); c.4279C>T, p.Pro1427Ser (NM_001330289.2); c.4327C>T, p.Pro1443Ser (NM_001330290.2, NM_001379648.1); c.4603C>T, p.Pro1535Ser (NM_001379631.1); c.4504C>T, p.Pro1502Ser (NM_001379632.1); c.4501C>T, p.Pro1501Ser (NM_001379633.1, NM_001379645.1); c.4354C>T, p.Pro1452Ser (NM_001379634.1); c.4351C>T, p.Pro1451Ser (NM_001379635.1, NM_001379646.1); and 7 more; short protein forms P1417S, P1418S, P1447S, P1451S, P1426S, P1434S, P1452S, P1501S.
Identifiers: ClinVar variation 4789978 (VCV004789978.1).
Genomic context (GRCh38, chr2:240,722,593, plus strand): 5'-AGGCGCTGGAGGAGCCATGGGACTCAGAGTCCTCGCTGAAGGCCGGGGACAGTGCCTCCG[G>A]GACAGGCCGCTGGGCGGTCTCCAGCTTCTCCCGCAGGAGCAGGTAGTGCCTAGTCTTCTC-3'
Protein context (NP_001230937.1, residues 1500-1520): EKLETAQRPV[Pro1510Ser]EALSPAFSED

ClinVar aggregate classification (germline): Uncertain significance (1 of 4 stars; one submission).

Conditions:
Neuropathy, hereditary sensory, type 2C. Also called: KIF1A-Related HSAN2 (HSAN2C); Hereditary sensory and autonomic neuropathy type IIC. Identifiers: Orphanet 970, MedGen C3280168, MONDO:0013634, OMIM 614213.
Hereditary spastic paraplegia 30. Identifiers: Orphanet 101010, MedGen C5235139, MONDO:0012476.
Intellectual disability, autosomal dominant 9 (NESCAVS). Also called: KIF1A-Related Neurodevelopmental Disorder; NESCAV SYNDROME. Identifiers: Orphanet 662367, MedGen C5393830, MONDO:0013656, OMIM 614255.

Submission:

Labcorp Genetics (formerly Invitae), Labcorp
Classification: Uncertain significance for Hereditary spastic paraplegia 30; Neuropathy, hereditary sensory, type 2C; Intellectual disability, autosomal dominant 9. Last evaluated: 2025-10-01. Review status: criteria provided, single submitter. Criteria: Invitae Variant Classification Sherloc (09022015). Collection method: clinical testing. Allele origin: germline.
Comment: This sequence change replaces proline, which is neutral and non-polar, with serine, which is neutral and polar, at codon 1409 of the KIF1A protein (p.Pro1409Ser). This variant is not present in population databases (gnomAD no frequency). This variant has not been reported in the literature in individuals affected with KIF1A-related conditions. Invitae Evidence Modeling of protein sequence and biophysical properties (such as structural, functional, and spatial information, amino acid conservation, physicochemical variation, residue mobility, and thermodynamic stability) indicates that this missense variant is not expected to disrupt KIF1A protein function with a negative predictive value of 95%. In summary, the available evidence is currently insufficient to determine the role of this variant in disease. Therefore, it has been classified as a Variant of Uncertain Significance.